The following is an entry in ClinVar:

ClinVar aggregate classification (germline): Likely benign (1 of 4 stars; one submission).

gnomAD v4.1: 3 of 1,613,986 alleles (0.00019%); highest among the groups gnomAD compares: Middle Eastern, 0.017%; no homozygotes.

Submission:

CeGaT Center for Human Genetics Tuebingen
Classification: Likely benign. Last evaluated: 2024-12-01. Review status: criteria provided, single submitter. Criteria: CeGaT Center For Human Genetics Tuebingen Variant Classification Criteria Version 2. Collection method: clinical testing. Allele origin: germline. Affected: yes. Observed: 1 variant allele.
Comment: YME1L1: BP4, BP7

NM_014263.4(YME1L1):c.612T>C (p.Pro204=)

Gene: YME1L1 (YME1 like 1 ATPase; minus strand). Cytogenetic location: 10p12.1.
Variant type: single nucleotide variant.
Coding change: c.612T>C on transcript NM_014263.4 (MANE Select); coding-DNA position 612, T replaced by C.
Protein change: p.Pro204=; no amino-acid change (proline 204 retained).
Molecular consequence: synonymous variant.
Genome position (GRCh38, 1-based): chr10:27,134,910, A>G on the plus strand (T>C on the coding strand, the complement: YME1L1 is on the minus strand). VCF-style: chr10-27134910-A-G. GRCh37 (hg19) VCF-style: chr10-27423839-A-G.
Other names: c.513T>C, p.Pro171= (NM_001253866.2); c.783T>C, p.Pro261= (NM_139312.3).
Identifiers: ClinVar variation 3390268 (VCV003390268.14).